The following is an entry in ClinVar:

ClinVar aggregate classification (germline): Uncertain significance. Review status: criteria provided, multiple submitters, no conflicts (2 of 4 stars). 2 submissions from 2 submitters: Uncertain significance (2). Last evaluated 2025-03-21.

Conditions:
Juvenile polyposis syndrome (JPS). Identifiers: Orphanet 2929, MedGen C0345893, MONDO:0017380, OMIM 174900.
Hereditary cancer-predisposing syndrome. Also called: Hereditary neoplastic syndrome; Neoplastic Syndromes, Hereditary; Hereditary Cancer Syndrome; Tumor predisposition. Identifiers: Orphanet 140162, MedGen C0027672, MeSH D009386, MONDO:0015356.

Submissions (2):

Labcorp Genetics (formerly Invitae), Labcorp
Classification: Uncertain significance for Juvenile polyposis syndrome. Last evaluated: 2025-03-21. Review status: criteria provided, single submitter. Criteria: Invitae Variant Classification Sherloc (09022015). Collection method: clinical testing. Allele origin: germline.
Comment: This sequence change replaces tyrosine, which is neutral and polar, with cysteine, which is neutral and slightly polar, at codon 14 of the BMPR1A protein (p.Tyr14Cys). This variant is not present in population databases (gnomAD no frequency). This variant has not been reported in the literature in individuals affected with BMPR1A-related conditions. ClinVar contains an entry for this variant (Variation ID: 1396822). Invitae Evidence Modeling of protein sequence and biophysical properties (such as structural, functional, and spatial information, amino acid conservation, physicochemical variation, residue mobility, and thermodynamic stability) indicates that this missense variant is not expected to disrupt BMPR1A protein function with a negative predictive value of 95%. In summary, the available evidence is currently insufficient to determine the role of this variant in disease. Therefore, it has been classified as a Variant of Uncertain Significance.

Ambry Genetics
Classification: Uncertain significance for Hereditary cancer-predisposing syndrome. Last evaluated: 2021-01-14. Review status: criteria provided, single submitter. Criteria: Ambry Variant Classification Scheme 2023. Collection method: clinical testing. Allele origin: germline.
Comment: The p.Y14C variant (also known as c.41A>G), located in coding exon 1 of the BMPR1A gene, results from an A to G substitution at nucleotide position 41. The tyrosine at codon 14 is replaced by cysteine, an amino acid with highly dissimilar properties. This amino acid position is not well conserved in available vertebrate species. In addition, this alteration is predicted to be tolerated by in silico analysis. Since supporting evidence is limited at this time, the clinical significance of this alteration remains unclear.

NM_004329.3(BMPR1A):c.41A>G (p.Tyr14Cys)

Gene: BMPR1A (bone morphogenetic protein receptor type 1A; plus strand). Cytogenetic location: 10q23.2.
Variant type: single nucleotide variant.
Coding change: c.41A>G on transcript NM_004329.3 (MANE Select); coding-DNA position 41, A replaced by G.
Protein change: p.Tyr14Cys; replaces tyrosine 14 with cysteine.
Molecular consequence: missense variant.
Genome position (GRCh38, 1-based): chr10:86,876,059, A>G. VCF-style: chr10-86876059-A-G. GRCh37 (hg19) VCF-style: chr10-88635816-A-G.
Other names: short protein forms Y14C.
Identifiers: ClinVar variation 1396822 (VCV001396822.8), dbSNP rs2133321618, ClinGen allele CA377774823.